The following is an entry in ClinVar:

NM_003859.3(DPM1):c.460G>A (p.Val154Ile)

Genes: ADNP-AS1 (ADNP antisense RNA 1; plus strand), DPM1 (dolichyl-phosphate mannosyltransferase subunit 1, catalytic; minus strand). Cytogenetic location: 20q13.13.
Variant type: single nucleotide variant.
Coding change: c.460G>A on transcript NM_003859.3 (MANE Select); coding-DNA position 460, G replaced by A.
Protein change: p.Val154Ile; replaces valine 154 with isoleucine.
Molecular consequence: missense variant. On other transcripts: non-coding transcript variant (1).
Genome position (GRCh38, 1-based): chr20:50,942,065, C>T on the plus strand (G>A on the coding strand, the complement: DPM1 is on the minus strand). VCF-style: chr20-50942065-C-T. GRCh37 (hg19) VCF-style: chr20-49558602-C-T.
Other names: c.460G>A, p.Val154Ile (NM_001317034.1, NM_001317035.1, NM_001317036.1); short protein forms V154I.
Identifiers: ClinVar variation 2074887 (VCV002074887.1), dbSNP rs765519379, ClinGen allele CA9909100.
Genomic context (GRCh38, chr20:50,942,065, plus strand): 5'-AAAGAAGTTGTAACACATGTACCTACCTGATTATTTTTCTTTTCAAATCCCAGCCATATA[C>T]ACCTCCATTTCCTTTGTAGCGAGTTCCAGAGACAATATCAAAATTACCCTCCTTTTGCTT-3'
Protein context (NP_003850.1, residues 144-164): SGTRYKGNGG[Val154Ile]YGWDLKRKII

ClinVar aggregate classification (germline): Uncertain significance (1 of 4 stars; one submission).

Conditions:
Congenital disorder of glycosylation type 1E (CDG1E). Also called: CDG Ie; CONGENITAL DISORDER OF GLYCOSYLATION, TYPE Ie. Identifiers: Orphanet 79322, MedGen C1837396, MONDO:0012123, OMIM 608799.

Allele frequency attached by ClinVar (database versions not stated): TOPMed below 0.00001; gnomAD exomes 0.00001; ExAC 0.00002.
gnomAD v4.1: 17 of 1,614,158 alleles (0.0011%); highest among the groups gnomAD compares: Non-Finnish European, 0.0014%; no homozygotes.

Submission:

Labcorp Genetics (formerly Invitae), Labcorp
Classification: Uncertain significance for Congenital disorder of glycosylation type 1E. Last evaluated: 2022-06-24. Review status: criteria provided, single submitter. Criteria: Invitae Variant Classification Sherloc (09022015). Collection method: clinical testing. Allele origin: germline.
Comment: This sequence change replaces valine, which is neutral and non-polar, with isoleucine, which is neutral and non-polar, at codon 154 of the DPM1 protein (p.Val154Ile). This variant is present in population databases (rs765519379, gnomAD 0.003%). This variant has not been reported in the literature in individuals affected with DPM1-related conditions. Algorithms developed to predict the effect of missense changes on protein structure and function (SIFT, PolyPhen-2, Align-GVGD) all suggest that this variant is likely to be tolerated. In summary, the available evidence is currently insufficient to determine the role of this variant in disease. Therefore, it has been classified as a Variant of Uncertain Significance.